The following is an entry in ClinVar:

NM_024426.6(WT1):c.109G>A (p.Gly37Arg)

Genes: WT1 (WT1 transcription factor; minus strand), LOC107982234 (WT1/WT1-AS bi-directional promoter region; plus strand). Cytogenetic location: 11p13.
Variant type: single nucleotide variant.
Coding change: c.109G>A on transcript NM_024426.6 (MANE Select); coding-DNA position 109, G replaced by A.
Protein change: p.Gly37Arg; replaces glycine 37 with arginine.
Molecular consequence: missense variant. On other transcripts: non-coding transcript variant (1).
Genome position (GRCh38, 1-based): chr11:32,435,252, C>T on the plus strand (G>A on the coding strand, the complement: WT1 is on the minus strand). VCF-style: chr11-32435252-C-T. GRCh37 (hg19) VCF-style: chr11-32456798-C-T.
Other names: c.109G>A, p.Gly37Arg (NM_000378.6, NM_024424.5); short protein forms G37R.
Identifiers: ClinVar variation 834425 (VCV000834425.12), dbSNP rs1397886023, ClinGen allele CA379966365.

ClinVar aggregate classification (germline): Conflicting classifications of pathogenicity. Review status: criteria provided, conflicting classifications (1 of 4 stars). 4 submissions from 4 submitters: Uncertain significance (3); Likely benign (1). Last evaluated 2025-06-17.

Conditions:
Inborn genetic diseases. Identifiers: MedGen C0950123, MeSH D030342.
Wilms tumor 1 (WT1). Also called: Wilms tumor, somatic. Identifiers: Orphanet 654, MedGen CN033288, MONDO:0008679, OMIM 194070.
11p partial monosomy syndrome (WAGR). Also called: WAGR Spectrum Disorder; WAGR syndrome; WAGR Complex; CHROMOSOME 11p13 DELETION SYNDROME. Identifiers: Orphanet 893, MedGen C0206115, MONDO:0008681, OMIM 194072.
Frasier syndrome. Identifiers: Orphanet 347, MedGen C0950122, MeSH D052159, MONDO:0007635, OMIM 136680.
Drash syndrome (DDS). Also called: NEPHROPATHY, WILMS TUMOR, AND GENITAL ANOMALIES; WILMS TUMOR AND PSEUDO- OR TRUE HERMAPHRODITISM. Identifiers: Orphanet 220, MedGen C0950121, MONDO:0008682, OMIM 194080.

Allele frequency attached by ClinVar (database versions not stated): gnomAD exomes below 0.00001; TOPMed below 0.00001; gnomAD 0.00001.
gnomAD v4.1: 7 of 1,535,810 alleles (0.00046%); highest among the groups gnomAD compares: Non-Finnish European, 0.00052%; no homozygotes.

Submissions (4):

St. Jude Molecular Pathology, St. Jude Children's Research Hospital
Classification: Uncertain significance for Wilms tumor 1. Last evaluated: 2025-06-17. Review status: criteria provided, single submitter. Criteria: St. Jude Assertion Criteria 2020. Collection method: clinical testing. Allele origin: germline.
Comment: The WT1 c.109G>A p.(Gly37Arg) missense change is absent in gnomAD v2.1.1. The in silico tool REVEL predicts a benign effect on protein function, but to our knowledge this prediction has not been confirmed by functional studies. To our knowledge, this variant has not been reported in individuals with WT1-related conditions. In summary, the evidence currently available is insufficient to determine the clinical significance of this variant. It has therefore been classified as of uncertain significance.

Labcorp Genetics (formerly Invitae), Labcorp
Classification: Uncertain significance for Wilms tumor 1; Drash syndrome; 11p partial monosomy syndrome; Frasier syndrome. Last evaluated: 2025-02-10. Review status: criteria provided, single submitter. Criteria: Invitae Variant Classification Sherloc (09022015). Collection method: clinical testing. Allele origin: germline.
Comment: This sequence change replaces glycine, which is neutral and non-polar, with arginine, which is basic and polar, at codon 32 of the WT1 protein (p.Gly32Arg). This variant is not present in population databases (gnomAD no frequency). This variant has not been reported in the literature in individuals affected with WT1-related conditions. ClinVar contains an entry for this variant (Variation ID: 834425). An algorithm developed to predict the effect of missense changes on protein structure and function outputs the following: PolyPhen-2: "Benign". The arginine amino acid residue is found in multiple mammalian species, which suggests that this missense change does not adversely affect protein function. In summary, the available evidence is currently insufficient to determine the role of this variant in disease. Therefore, it has been classified as a Variant of Uncertain Significance.

Ambry Genetics
Classification: Likely benign for Inborn genetic diseases. Last evaluated: 2025-01-15. Review status: criteria provided, single submitter. Criteria: Ambry Variant Classification Scheme 2023. Collection method: clinical testing. Allele origin: germline.

GeneDx
Classification: Uncertain significance. Last evaluated: 2022-12-06. Review status: criteria provided, single submitter. Criteria: GeneDx Variant Classification Process June 2021. Collection method: clinical testing. Allele origin: germline. Affected: yes.
Comment: Not observed at significant frequency in large population cohorts (gnomAD); In silico analysis supports that this missense variant does not alter protein structure/function; Has not been previously published as pathogenic or benign to our knowledge; This variant is associated with the following publications: (PMID: 30761385)